The following is an entry in ClinVar:

ClinVar aggregate classification (germline): Benign. Review status: criteria provided, multiple submitters, no conflicts (2 of 4 stars). 2 submissions from 2 submitters: Benign (2). Last evaluated 2026-02-04.

Allele frequency attached by ClinVar (database versions not stated): 1000 Genomes Project 0.18171; ESP Exome Variant Server 0.20475; ExAC 0.26391; 1000 Genomes Project 30x 0.18067; gnomAD 0.22131 and 0.22221; TOPMed 0.22135.
gnomAD v4.1: 437,124 of 1,596,526 alleles (27%); highest among the groups gnomAD compares: Admixed American, 41%; 63,786 homozygotes.

Submissions (2):

Labcorp Genetics (formerly Invitae), Labcorp
Classification: Benign. Last evaluated: 2026-02-04. Review status: criteria provided, single submitter. Criteria: Invitae Variant Classification Sherloc (09022015). Collection method: clinical testing. Allele origin: germline.

GeneDx
Classification: Benign. Last evaluated: 2013-08-29. Review status: criteria provided, single submitter. Criteria: GeneDx Variant Classification (06012015). Collection method: clinical testing. Allele origin: germline. Affected: yes.
Comment: This variant is considered likely benign or benign based on one or more of the following criteria: it is a conservative change, it occurs at a poorly conserved position in the protein, it is predicted to be benign by multiple in silico algorithms, and/or has population frequency not consistent with disease.

NM_020117.11(LARS1):c.2628+8C>T

Gene: LARS1 (leucyl-tRNA synthetase 1; minus strand). Cytogenetic location: 5q32.
Variant type: single nucleotide variant.
Coding change: c.2628+8C>T on transcript NM_020117.11 (MANE Select); 8 bases into the intron after coding-DNA position 2628, C replaced by T.
Molecular consequence: intron variant.
Genome position (GRCh38, 1-based): chr5:146,130,010, G>A on the plus strand (C>T on the coding strand, the complement: LARS1 is on the minus strand). VCF-style: chr5-146130010-G-A. GRCh37 (hg19) VCF-style: chr5-145509573-G-A.
Other names: c.2466+8C>T (NM_001317965.2); c.2547+8C>T (NM_016460.4); c.2490+8C>T (NM_001317964.2).
Identifiers: ClinVar variation 138092 (VCV000138092.9), dbSNP rs11953517, ClinGen allele CA291893.